The following is an entry in ClinVar:

NM_000095.3(COMP):c.218-14C>T

Gene: COMP (cartilage oligomeric matrix protein; minus strand). Cytogenetic location: 19p13.11.
Variant type: single nucleotide variant.
Coding change: c.218-14C>T on transcript NM_000095.3 (MANE Select); 14 bases into the intron before coding-DNA position 218, C replaced by T.
Molecular consequence: intron variant.
Genome position (GRCh38, 1-based): chr19:18,790,128, G>A on the plus strand (C>T on the coding strand, the complement: COMP is on the minus strand). VCF-style: chr19-18790128-G-A. GRCh37 (hg19) VCF-style: chr19-18900937-G-A.
Identifiers: ClinVar variation 255122 (VCV000255122.33), dbSNP rs150008764, ClinGen allele CA9316790.

ClinVar aggregate classification (germline): Benign/Likely benign. Review status: criteria provided, multiple submitters, no conflicts (2 of 4 stars). 9 submissions from 8 submitters: Benign (7); Likely benign (2). Last evaluated 2026-05-11.

Conditions:
Pseudoachondroplastic spondyloepiphyseal dysplasia syndrome (PSACH). Also called: Pseudoachondroplasia; PSEUDOACHONDROPLASTIC DYSPLASIA; COMP-Related Pseudoachondroplasia. Identifiers: Orphanet 750, MedGen C0410538, MONDO:0008322, OMIM 177170.
Multiple epiphyseal dysplasia type 1. Also called: COMP-Related Multiple Epiphyseal Dysplasia. Identifiers: Orphanet 93308, MedGen C1838280, MONDO:0007561, OMIM 132400.

Allele frequency attached by ClinVar (database versions not stated): 1000 Genomes Project 30x 0.00796; 1000 Genomes Project 0.00819; TOPMed 0.01160.
gnomAD v4.1: 25,333 of 1,520,822 alleles (1.7%); highest among the groups gnomAD compares: Non-Finnish European, 1.9%; 272 homozygotes.

Submissions (9):

Women's Health and Genetics/Laboratory Corporation of America, LabCorp
Classification: Benign. Last evaluated: 2026-05-11. Review status: criteria provided, single submitter. Criteria: LabCorp Variant Classification Summary - May 2015. Collection method: clinical testing. Allele origin: germline.

Labcorp Genetics (formerly Invitae), Labcorp
Classification: Benign. Last evaluated: 2026-02-01. Review status: criteria provided, single submitter. Criteria: Invitae Variant Classification Sherloc (09022015). Collection method: clinical testing. Allele origin: germline.

ARUP Laboratories, Molecular Genetics and Genomics, ARUP Laboratories
Classification: Benign. Last evaluated: 2025-05-02. Review status: criteria provided, single submitter. Criteria: ARUP Molecular Germline Variant Investigation Process 2024. Collection method: clinical testing. Allele origin: germline.

GeneDx
Classification: Likely benign. Last evaluated: 2018-10-21. Review status: criteria provided, single submitter. Criteria: GeneDx Variant Classification Process June 2021. Collection method: clinical testing. Allele origin: germline. Affected: yes.

Illumina Laboratory Services, Illumina
Classification: Benign for Multiple epiphyseal dysplasia type 1. Last evaluated: 2018-01-12. Review status: criteria provided, single submitter. Criteria: ICSL Variant Classification Criteria 13 December 2019. Collection method: clinical testing. Allele origin: germline.
Comment: This variant was observed in the ICSL laboratory as part of a predisposition screen in an ostensibly healthy population. It had not been previously curated by ICSL or reported in the Human Gene Mutation Database (HGMD: prior to June 1st, 2018), and was therefore a candidate for classification through an automated scoring system. Utilizing variant allele frequency, disease prevalence and penetrance estimates, and inheritance mode, an automated score was calculated to assess if this variant is too frequent to cause the disease. Based on the score and internal cut-off values, a variant classified as benign is not then subjected to further curation. The score for this variant resulted in a classification of benign for this disease.

Illumina Laboratory Services, Illumina
Classification: Benign for Pseudoachondroplastic spondyloepiphyseal dysplasia syndrome. Last evaluated: 2018-01-12. Review status: criteria provided, single submitter. Criteria: ICSL Variant Classification Criteria 13 December 2019. Collection method: clinical testing. Allele origin: germline.
Comment: the same text as in the submission from Illumina Laboratory Services, Illumina above.

Eurofins Ntd Llc (ga)
Classification: Benign. Last evaluated: 2016-05-12. Review status: criteria provided, single submitter. Criteria: EGL Classification Definitions 2015. Collection method: clinical testing. Allele origin: germline. Observed: 2 variant alleles, 2 heterozygotes.

Breakthrough Genomics
Classification: Likely benign. Review status: criteria provided, single submitter. Criteria: ACMG Guidelines, 2015. Collection method: not provided. Allele origin: germline. Inheritance: Autosomal dominant inheritance. Affected: yes.

PreventionGenetics, part of Exact Sciences
Classification: Benign. Review status: criteria provided, single submitter. Criteria: ACMG Guidelines, 2015. Collection method: clinical testing. Allele origin: germline.